The following is an entry in ClinVar:

ClinVar aggregate classification (germline): Pathogenic (1 of 4 stars; one submission).

Conditions:
Lysinuric protein intolerance (LPI). Identifiers: Orphanet 470, MedGen C0268647, MONDO:0009109, OMIM 222700.

Submission:

Labcorp Genetics (formerly Invitae), Labcorp
Classification: Pathogenic for Lysinuric protein intolerance. Last evaluated: 2022-09-05. Review status: criteria provided, single submitter. Criteria: Invitae Variant Classification Sherloc (09022015). Collection method: clinical testing. Allele origin: germline.
Comment: For these reasons, this variant has been classified as Pathogenic. This premature translational stop signal has been observed in individual(s) with lysinuric protein intolerance (PMID: 31014432). This variant is not present in population databases (gnomAD no frequency). This sequence change creates a premature translational stop signal (p.Trp405*) in the SLC7A7 gene. It is expected to result in an absent or disrupted protein product. Loss-of-function variants in SLC7A7 are known to be pathogenic (PMID: 10631139, 17764084).

Literature cited by the submitters: PubMed 31014432; PubMed 10631139; PubMed 17764084.

NM_003982.4(SLC7A7):c.1215del (p.Arg404_Trp405insTer)

Gene: SLC7A7 (solute carrier family 7 member 7; minus strand). Cytogenetic location: 14q11.2.
Variant type: Deletion.
Coding change: c.1215del on transcript NM_003982.4 (MANE Select); coding-DNA position 1215, one base deleted (G; older notation c.1215delG).
Protein change: p.Arg404_Trp405insTer.
Molecular consequence: nonsense.
Genome position (GRCh38, 1-based): chr14:22,774,384, C deleted on the plus strand (G on the coding strand, the reverse complement: SLC7A7 is on the minus strand); the first of 2 consecutive C bases (chr14:22,774,384-22,774,385); deleting either gives the same sequence. VCF-style (leftmost placement, unchanged base first): chr14-22774383-TC-T. GRCh37 (hg19) VCF-style: chr14-23243592-TC-T.
Other names: c.1215del, p.Arg404_Trp405insTer (NM_001126105.3, NM_001126106.4).
Identifiers: ClinVar variation 2029046 (VCV002029046.4), dbSNP rs2501835987, ClinGen allele CA2580087851.